The following is an entry in ClinVar:

ClinVar aggregate classification (germline): Uncertain significance (1 of 4 stars; one submission).

Conditions:
Inborn genetic diseases. Identifiers: MedGen C0950123, MeSH D030342.

Submission:

Ambry Genetics
Classification: Uncertain significance for Inborn genetic diseases. Last evaluated: 2025-09-19. Review status: criteria provided, single submitter. Criteria: Ambry Variant Classification Scheme 2023. Collection method: clinical testing. Allele origin: germline.
Comment: The p.P204A variant (also known as c.610C>G), located in coding exon 5 of the ETV6 gene, results from a C to G substitution at nucleotide position 610. The proline at codon 204 is replaced by alanine, an amino acid with highly similar properties. This amino acid position is conserved. In addition, this alteration is predicted to be tolerated by in silico analysis. Based on the available evidence, the clinical significance of this variant remains unclear.

NM_001987.5(ETV6):c.610C>G (p.Pro204Ala)

Gene: ETV6 (ETS variant transcription factor 6; plus strand). Cytogenetic location: 12p13.2.
Variant type: single nucleotide variant.
Coding change: c.610C>G on transcript NM_001987.5 (MANE Select); coding-DNA position 610, C replaced by G.
Protein change: p.Pro204Ala; replaces proline 204 with alanine.
Molecular consequence: missense variant.
Genome position (GRCh38, 1-based): chr12:11,869,570, C>G. VCF-style: chr12-11869570-C-G. GRCh37 (hg19) VCF-style: chr12-12022504-C-G.
Other names: c.607C>G, p.Pro203Ala (NM_001413913.1); c.583C>G, p.Pro195Ala (NM_001413914.1); c.346C>G, p.Pro116Ala (NM_001413915.1); c.610C>G, p.Pro204Ala (NM_001413916.1, NM_001413917.1); short protein forms P195A, P204A, P116A, P203A.
Identifiers: ClinVar variation 4618836 (VCV004618836.1).